The following is an entry in ClinVar:

NM_000257.4(MYH7):c.2128C>G (p.Pro710Ala)

Gene: MYH7 (myosin heavy chain 7; minus strand). Cytogenetic location: 14q11.2.
Variant type: single nucleotide variant.
Coding change: c.2128C>G on transcript NM_000257.4 (MANE Select); coding-DNA position 2128, C replaced by G.
Protein change: p.Pro710Ala; replaces proline 710 with alanine.
Molecular consequence: missense variant.
Genome position (GRCh38, 1-based): chr14:23,425,998, G>C on the plus strand (C>G on the coding strand, the complement: MYH7 is on the minus strand). VCF-style: chr14-23425998-G-C. GRCh37 (hg19) VCF-style: chr14-23895207-G-C.
Other names: short protein forms P710A.
Identifiers: ClinVar variation 1372350 (VCV001372350.6), dbSNP rs2138668839, ClinGen allele CA389049071.

ClinVar aggregate classification (germline): Likely pathogenic (1 of 4 stars; one submission).

Conditions:
Hypertrophic cardiomyopathy. Also called: HYPERTROPHIC MYOCARDIOPATHY. Identifiers: Orphanet 217569, MedGen C0007194, MeSH D002312, MONDO:0005045, HP:0001639.

Submission:

Labcorp Genetics (formerly Invitae), Labcorp
Classification: Likely pathogenic for Hypertrophic cardiomyopathy. Last evaluated: 2023-09-10. Review status: criteria provided, single submitter. Criteria: Invitae Variant Classification Sherloc (09022015). Collection method: clinical testing. Allele origin: germline.
Comment: This variant is not present in population databases (gnomAD no frequency). This sequence change replaces proline, which is neutral and non-polar, with alanine, which is neutral and non-polar, at codon 710 of the MYH7 protein (p.Pro710Ala). ClinVar contains an entry for this variant (Variation ID: 1372350). This variant has not been reported in the literature in individuals affected with MYH7-related conditions. In summary, the currently available evidence indicates that the variant is pathogenic, but additional data are needed to prove that conclusively. Therefore, this variant has been classified as Likely Pathogenic. This variant disrupts the p.Pro710 amino acid residue in MYH7. Other variant(s) that disrupt this residue have been determined to be pathogenic (PMID: 22555271, 23054336, 25611685, 27247418, 27532257). This suggests that this residue is clinically significant, and that variants that disrupt this residue are likely to be disease-causing. Advanced modeling of protein sequence and biophysical properties (such as structural, functional, and spatial information, amino acid conservation, physicochemical variation, residue mobility, and thermodynamic stability) performed at Invitae indicates that this missense variant is expected to disrupt MYH7 protein function.

Literature cited by the submitters: PubMed 22555271; PubMed 23054336; PubMed 25611685; PubMed 27247418; PubMed 27532257.